The following is an entry in ClinVar:

ClinVar aggregate classification (germline): Uncertain significance (0 of 4 stars; one submission).

Conditions:
ADCY3-related disorder. Also called: ADCY3-related condition.

Submission:

PreventionGenetics, part of Exact Sciences
Classification: Uncertain significance for ADCY3-related condition. Last evaluated: 2024-09-04. Review status: no assertion criteria provided. Collection method: clinical testing. Allele origin: germline.
Comment: The ADCY3 c.358A>G variant is predicted to result in the amino acid substitution p.Ile120Val. To our knowledge, this variant has not been reported in the literature or in a large population database, indicating this variant is rare. At this time, the clinical significance of this variant is uncertain due to the absence of conclusive functional and genetic evidence.

NM_004036.5(ADCY3):c.358A>G (p.Ile120Val)

Gene: ADCY3 (adenylate cyclase 3; minus strand). Cytogenetic location: 2p23.3.
Variant type: single nucleotide variant.
Coding change: c.358A>G on transcript NM_004036.5 (MANE Select); coding-DNA position 358, A replaced by G.
Protein change: p.Ile120Val; replaces isoleucine 120 with valine.
Molecular consequence: missense variant.
Genome position (GRCh38, 1-based): chr2:24,918,630, T>C on the plus strand (A>G on the coding strand, the complement: ADCY3 is on the minus strand). VCF-style: chr2-24918630-T-C. GRCh37 (hg19) VCF-style: chr2-25141499-T-C.
Other names: c.358A>G, p.Ile120Val (NM_001320613.2, NM_001377128.1, NM_001377129.1 and 2 more transcripts); short protein forms I120V.
Identifiers: ClinVar variation 3345538 (VCV003345538.1).